The following is an entry in ClinVar:

NM_002485.5(NBN):c.76G>A (p.Val26Ile)

Gene: NBN (nibrin; minus strand). Cytogenetic location: 8q21.3.
Variant type: single nucleotide variant.
Coding change: c.76G>A on transcript NM_002485.5 (MANE Select); coding-DNA position 76, G replaced by A.
Protein change: p.Val26Ile; replaces valine 26 with isoleucine.
Molecular consequence: missense variant. On other transcripts: 5 prime UTR variant (1).
Genome position (GRCh38, 1-based): chr8:89,982,817, C>T on the plus strand (G>A on the coding strand, the complement: NBN is on the minus strand). VCF-style: chr8-89982817-C-T. GRCh37 (hg19) VCF-style: chr8-90995045-C-T.
Other names: c.-221G>A (NM_001024688.3); short protein forms V26I.
Identifiers: ClinVar variation 1381437 (VCV001381437.5), dbSNP rs752964949, ClinGen allele CA181281141.
Genomic context (GRCh38, chr8:89,982,817, plus strand): 5'-CATGATTTCGGCTGATCGACTGATCATTTTCAATCAGAATGGCACAGTTTTTCCTTCCAA[C>T]AACGTACTCAACGCCAGTCAAAAGTCTGTATGGTTCTCCTGAGATAAATTTTTTTTTAAA-3'
Protein context (NP_002476.2, residues 16-36): YRLLTGVEYV[Val26Ile]GRKNCAILIE

ClinVar aggregate classification (germline): Uncertain significance (1 of 4 stars; one submission).

Conditions:
Microcephaly, normal intelligence and immunodeficiency (NBS). Also called: BERLIN BREAKAGE SYNDROME; Immunodeficiency, microcephaly with normal intelligence; Ataxia telangiectasia variant V1; SEEMANOVA SYNDROME II; Nijmegen breakage syndrome; Microcephaly with normal intelligence immunodeficiency and lymphoreticular malignancies. Identifiers: Orphanet 647, MedGen C0398791, MONDO:0009623, OMIM 251260.

gnomAD v4.1: 1 of 1,613,602 alleles (0.000062%); no homozygotes.

Submission:

Labcorp Genetics (formerly Invitae), Labcorp
Classification: Uncertain significance for Microcephaly, normal intelligence and immunodeficiency. Last evaluated: 2022-09-02. Review status: criteria provided, single submitter. Criteria: Invitae Variant Classification Sherloc (09022015). Collection method: clinical testing. Allele origin: germline.
Comment: This sequence change replaces valine, which is neutral and non-polar, with isoleucine, which is neutral and non-polar, at codon 26 of the NBN protein (p.Val26Ile). This variant is not present in population databases (gnomAD no frequency). This variant has not been reported in the literature in individuals affected with NBN-related conditions. ClinVar contains an entry for this variant (Variation ID: 1381437). Algorithms developed to predict the effect of missense changes on protein structure and function are either unavailable or do not agree on the potential impact of this missense change (SIFT: "Tolerated"; PolyPhen-2: "Probably Damaging"; Align-GVGD: "Class C0"). In summary, the available evidence is currently insufficient to determine the role of this variant in disease. Therefore, it has been classified as a Variant of Uncertain Significance.